The following is an entry in ClinVar:

NM_000465.4(BARD1):c.355G>A (p.Glu119Lys)

Gene: BARD1 (BRCA1 associated RING domain 1; minus strand). Cytogenetic location: 2q35.
Variant type: single nucleotide variant.
Coding change: c.355G>A on transcript NM_000465.4 (MANE Select); coding-DNA position 355, G replaced by A.
Protein change: p.Glu119Lys; replaces glutamic acid 119 with lysine.
Molecular consequence: missense variant. On other transcripts: non-coding transcript variant (1), intron variant (2).
Genome position (GRCh38, 1-based): chr2:214,792,306, C>T on the plus strand (G>A on the coding strand, the complement: BARD1 is on the minus strand). VCF-style: chr2-214792306-C-T. GRCh37 (hg19) VCF-style: chr2-215657030-C-T.
Other names: c.298G>A, p.Glu100Lys (NM_001282543.2); c.355G>A, p.Glu119Lys (NM_001282549.2); c.158+17106G>A (NM_001282548.2); c.215+4755G>A (NM_001282545.2); short protein forms E100K, E119K.
Identifiers: ClinVar variation 1039582 (VCV001039582.12), dbSNP rs1559436782, ClinGen allele CA350460753.

ClinVar aggregate classification (germline): Conflicting classifications of pathogenicity. Review status: criteria provided, conflicting classifications (1 of 4 stars). 2 submissions from 2 submitters: Uncertain significance (1); Likely benign (1). Last evaluated 2023-02-13.

Conditions:
Hereditary cancer-predisposing syndrome. Also called: Neoplastic Syndromes, Hereditary; Hereditary Cancer Syndrome; Tumor predisposition; Hereditary neoplastic syndrome. Identifiers: Orphanet 140162, MedGen C0027672, MeSH D009386, MONDO:0015356.
Familial cancer of breast. Also called: hereditary breast carcinoma; Hereditary breast cancer; BREAST CANCER, FAMILIAL. Identifiers: Orphanet 227535, MedGen C0346153, MONDO:0016419, OMIM 114480. Disease mechanism: loss of function.

Allele frequency attached by ClinVar (database versions not stated): gnomAD exomes below 0.00001.

Submissions (2):

Labcorp Genetics (formerly Invitae), Labcorp
Classification: Uncertain significance for Familial cancer of breast. Last evaluated: 2023-02-13. Review status: criteria provided, single submitter. Criteria: Invitae Variant Classification Sherloc (09022015). Collection method: clinical testing. Allele origin: germline.
Comment: Algorithms developed to predict the effect of missense changes on protein structure and function output the following: SIFT: "Tolerated"; PolyPhen-2: "Benign"; Align-GVGD: "Class C0". The lysine amino acid residue is found in multiple mammalian species, which suggests that this missense change does not adversely affect protein function. This sequence change replaces glutamic acid, which is acidic and polar, with lysine, which is basic and polar, at codon 119 of the BARD1 protein (p.Glu119Lys). This variant is not present in population databases (gnomAD no frequency). This variant has not been reported in the literature in individuals affected with BARD1-related conditions. ClinVar contains an entry for this variant (Variation ID: 1039582). In summary, the available evidence is currently insufficient to determine the role of this variant in disease. Therefore, it has been classified as a Variant of Uncertain Significance.

Ambry Genetics
Classification: Likely benign for Hereditary cancer-predisposing syndrome. Last evaluated: 2020-09-30. Review status: criteria provided, single submitter. Criteria: Ambry Variant Classification Scheme 2023. Collection method: clinical testing. Allele origin: germline.